The following is an entry in ClinVar:

NM_013391.3(DMGDH):c.1814+10C>T

Gene: DMGDH (dimethylglycine dehydrogenase; minus strand). Cytogenetic location: 5q14.1.
Variant type: single nucleotide variant.
Coding change: c.1814+10C>T on transcript NM_013391.3 (MANE Select); 10 bases into the intron after coding-DNA position 1814, C replaced by T.
Molecular consequence: intron variant.
Genome position (GRCh38, 1-based): chr5:79,029,894, G>A on the plus strand (C>T on the coding strand, the complement: DMGDH is on the minus strand). VCF-style: chr5-79029894-G-A. GRCh37 (hg19) VCF-style: chr5-78325717-G-A.
Identifiers: ClinVar variation 3049191 (VCV003049191.2), dbSNP rs200459665, ClinGen allele CA3318619.

ClinVar aggregate classification (germline): Likely benign (0 of 4 stars; one submission).

Conditions:
DMGDH-related disorder. Also called: DMGDH-related condition.

Allele frequency attached by ClinVar (database versions not stated): TOPMed 0.00006; ExAC 0.00008; gnomAD 0.00009; 1000 Genomes Project 30x 0.00016; gnomAD exomes 0.00017; 1000 Genomes Project 0.00020.
gnomAD v4.1: 262 of 1,613,798 alleles (0.016%); highest among the groups gnomAD compares: Non-Finnish European, 0.022%; no homozygotes.

Submission:

PreventionGenetics, part of Exact Sciences
Classification: Likely benign for DMGDH-related condition. Last evaluated: 2022-03-23. Review status: no assertion criteria provided. Collection method: clinical testing. Allele origin: germline.
Comment: This variant is classified as likely benign based on ACMG/AMP sequence variant interpretation guidelines (Richards et al. 2015 PMID: 25741868, with internal and published modifications).